The following is an entry in ClinVar:

NM_000400.4(ERCC2):c.2152A>C (p.Lys718Gln)

Gene: ERCC2 (ERCC excision repair 2, TFIIH core complex helicase subunit; minus strand). Cytogenetic location: 19q13.32.
Variant type: single nucleotide variant.
Coding change: c.2152A>C on transcript NM_000400.4 (MANE Select); coding-DNA position 2152, A replaced by C.
Protein change: p.Lys718Gln; replaces lysine 718 with glutamine.
Molecular consequence: missense variant.
Genome position (GRCh38, 1-based): chr19:45,352,247, T>G on the plus strand (A>C on the coding strand, the complement: ERCC2 is on the minus strand). VCF-style: chr19-45352247-T-G. GRCh37 (hg19) VCF-style: chr19-45855505-T-G.
Other names: short protein forms K718Q.
Identifiers: ClinVar variation 1786771 (VCV001786771.2), dbSNP rs1225327240, ClinGen allele CA406362026.
Genomic context (GRCh38, chr19:45,352,247, plus strand): 5'-GGGAGGGGGACGCAGGCCTCACCCGGTGGAAGGGCTGTGCCATCTGCCGCAGGAAGTACT[T>G]GGCCACCTGGACACCCTCGTCCACGGTCAGGTTGAGGTTGGCATCTGTGAGGTGCTCCTG-3'
Protein context (NP_000391.1, residues 708-728): LTVDEGVQVA[Lys718Gln]YFLRQMAQPF

ClinVar aggregate classification (germline): Uncertain significance (1 of 4 stars; one submission).

Conditions:
Inborn genetic diseases. Identifiers: MedGen C0950123, MeSH D030342.

Allele frequency attached by ClinVar (database versions not stated): gnomAD 0.00001; TOPMed 0.00002.

Submission:

Ambry Genetics
Classification: Uncertain significance for Inborn genetic diseases. Last evaluated: 2021-11-08. Review status: criteria provided, single submitter. Criteria: Ambry Variant Classification Scheme 2023. Collection method: clinical testing. Allele origin: germline.
Comment: The p.K718Q variant (also known as c.2152A>C), located in coding exon 22 of the ERCC2 gene, results from an A to C substitution at nucleotide position 2152. The lysine at codon 718 is replaced by glutamine, an amino acid with similar properties. This amino acid position is conserved. In addition, the in silico prediction for this alteration is inconclusive. Since supporting evidence is limited at this time, the clinical significance of this alteration remains unclear.